The following is an entry in ClinVar:

ClinVar aggregate classification (germline): Pathogenic. Review status: criteria provided, single submitter (1 of 4 stars). 2 submissions from 2 submitters: Pathogenic (1). 1 of the submissions does not count toward it. Last evaluated 2025-08-06.

Conditions:
Familial thoracic aortic aneurysm and aortic dissection (TAAD). Also called: Thoracic aortic aneurysms and dissections. Identifiers: Orphanet 91387, MedGen C4707243, MONDO:0019625.
Marfan syndrome (MFS). Also called: FBN1-Related Marfan Syndrome; Marfan syndrome type 1; Marfan's syndrome; Marfan syndrome, classic; MARFAN SYNDROME, TYPE I. Identifiers: Orphanet 284963, Orphanet 558, MedGen C0024796, MONDO:0007947, OMIM 154700.

Submissions (2):

Labcorp Genetics (formerly Invitae), Labcorp
Classification: Pathogenic for Marfan syndrome; Familial thoracic aortic aneurysm and aortic dissection. Last evaluated: 2025-08-06. Review status: criteria provided, single submitter. Criteria: Invitae Variant Classification Sherloc (09022015). Collection method: clinical testing. Allele origin: germline.
Comment: This sequence change replaces cysteine, which is neutral and slightly polar, with tyrosine, which is neutral and polar, at codon 1129 of the FBN1 protein (p.Cys1129Tyr). This variant is not present in population databases (gnomAD no frequency). This missense change has been observed in individual(s) with Marfan syndrome (PMID: 10425041, 31730815). In at least one individual the variant was observed to be de novo. ClinVar contains an entry for this variant (Variation ID: 16463). Invitae Evidence Modeling of protein sequence and biophysical properties (such as structural, functional, and spatial information, amino acid conservation, physicochemical variation, residue mobility, and thermodynamic stability) indicates that this missense variant is expected to disrupt FBN1 protein function with a positive predictive value of 95%. This variant affects a cysteine residue in the EGF-like, TGFBP or hybrid motif domains of FBN1. Cysteine residues are believed to be involved in intramolecular disulfide bridges and have been shown to be important for FBN1 protein structure (PMID: 16905551, 19349279). In addition, missense substitutions affecting cysteine residues within these domains are significantly overrepresented among patients with Marfan syndrome (PMID: 16571647, 17701892). For these reasons, this variant has been classified as Pathogenic.

OMIM
Classification: Pathogenic for MARFAN SYNDROME. Last evaluated: 1999-08-19. Review status: no assertion criteria provided. Collection method: literature only. Allele origin: germline. Not counted in ClinVar's aggregate classification.

Literature cited by the submitters: PubMed 10425041 (cited by Labcorp Genetics (formerly Invitae), Labcorp and OMIM); PubMed 31730815 (cited by Labcorp Genetics (formerly Invitae), Labcorp); PubMed 16905551 (cited by Labcorp Genetics (formerly Invitae), Labcorp); PubMed 19349279 (cited by Labcorp Genetics (formerly Invitae), Labcorp); PubMed 16571647 (cited by Labcorp Genetics (formerly Invitae), Labcorp); PubMed 17701892 (cited by Labcorp Genetics (formerly Invitae), Labcorp).

NM_000138.5(FBN1):c.3386G>A (p.Cys1129Tyr)

Gene: FBN1 (fibrillin 1; minus strand). Cytogenetic location: 15q21.1.
Variant type: single nucleotide variant.
Coding change: c.3386G>A on transcript NM_000138.5 (MANE Select); coding-DNA position 3386, G replaced by A.
Protein change: p.Cys1129Tyr; replaces cysteine 1129 with tyrosine.
Molecular consequence: missense variant.
Genome position (GRCh38, 1-based): chr15:48,487,389, C>T on the plus strand (G>A on the coding strand, the complement: FBN1 is on the minus strand). VCF-style: chr15-48487389-C-T. GRCh37 (hg19) VCF-style: chr15-48779586-C-T.
Other names: short protein forms C1129Y.
Identifiers: ClinVar variation 16463 (VCV000016463.5), dbSNP rs137854482, ClinGen allele CA014024.